The following is an entry in ClinVar:

NM_001386298.1(CIC):c.5614-5C>T

Gene: CIC (capicua transcriptional repressor; plus strand). Cytogenetic location: 19q13.2.
Variant type: single nucleotide variant.
Coding change: c.5614-5C>T on transcript NM_001386298.1 (MANE Select); 5 bases into the intron before coding-DNA position 5614, C replaced by T.
Molecular consequence: intron variant.
Genome position (GRCh38, 1-based): chr19:42,292,081, C>T. VCF-style: chr19-42292081-C-T. GRCh37 (hg19) VCF-style: chr19-42796233-C-T.
Other names: c.5614-5C>T (NM_001304815.2, NM_001439186.1, NM_001439183.1 and 6 more transcripts); c.2887-5C>T (NM_015125.5, NM_001379484.1, NM_001439190.1 and 3 more transcripts).
Identifiers: ClinVar variation 5040528 (VCV005040528.1).

ClinVar aggregate classification (germline): Likely benign (1 of 4 stars; one submission).

gnomAD v4.1: 2 of 1,613,640 alleles (0.00012%); highest among the groups gnomAD compares: Admixed American, 0.0017%; no homozygotes.

Submission:

CeGaT Center for Human Genetics Tuebingen
Classification: Likely benign. Last evaluated: 2026-08-01. Review status: criteria provided, single submitter. Criteria: CeGaT Center For Human Genetics Tuebingen Variant Classification Criteria Version 2. Collection method: clinical testing. Allele origin: germline. Affected: yes. Observed: 1 variant allele.
Comment: CIC: BP4